The following is an entry in ClinVar:

NM_001457.4(FLNB):c.3127-305T>C

Gene: FLNB (filamin B; plus strand). Cytogenetic location: 3p14.3.
Variant type: single nucleotide variant.
Coding change: c.3127-305T>C on transcript NM_001457.4 (MANE Select); 305 bases into the intron before coding-DNA position 3127, T replaced by C.
Molecular consequence: intron variant.
Genome position (GRCh38, 1-based): chr3:58,122,788, T>C. VCF-style: chr3-58122788-T-C. GRCh37 (hg19) VCF-style: chr3-58108515-T-C.
Other names: c.3127-305T>C (NM_001164317.2, NM_001164318.2, NM_001164319.2).
Identifiers: ClinVar variation 683105 (VCV000683105.1), dbSNP rs12488636, ClinGen allele CA11569286.

ClinVar aggregate classification (germline): Benign (1 of 4 stars; one submission).

Allele frequency attached by ClinVar (database versions not stated): gnomAD 0.48129 and 0.48898; TOPMed 0.51336; 1000 Genomes Project 30x 0.67661; 1000 Genomes Project 0.67911.
gnomAD v4.1: 74,271 of 152,056 alleles (49%); highest among the groups gnomAD compares: East Asian, 97%; 21,011 homozygotes.

Submission:

GeneDx
Classification: Benign. Last evaluated: 2018-06-14. Review status: criteria provided, single submitter. Criteria: GeneDx Variant Classification (06012015). Collection method: clinical testing. Allele origin: germline. Affected: yes.
Comment: This variant is considered likely benign or benign based on one or more of the following criteria: it is a conservative change, it occurs at a poorly conserved position in the protein, it is predicted to be benign by multiple in silico algorithms, and/or has population frequency not consistent with disease.